The following is an entry in ClinVar:

NM_001690.4(ATP6V1A):c.1655G>A (p.Arg552His)

Gene: ATP6V1A (ATPase H+ transporting V1 subunit A; plus strand). Cytogenetic location: 3q13.31.
Variant type: single nucleotide variant.
Coding change: c.1655G>A on transcript NM_001690.4 (MANE Select); coding-DNA position 1655, G replaced by A.
Protein change: p.Arg552His; replaces arginine 552 with histidine.
Molecular consequence: missense variant.
Genome position (GRCh38, 1-based): chr3:113,805,419, G>A. VCF-style: chr3-113805419-G-A. GRCh37 (hg19) VCF-style: chr3-113524266-G-A.
Other names: c.1655G>A (NM_001690.3); short protein forms R552H.
Identifiers: ClinVar variation 2061798 (VCV002061798.7), dbSNP rs768704096, ClinGen allele CA2548112.

ClinVar aggregate classification (germline): Conflicting classifications of pathogenicity. Review status: criteria provided, conflicting classifications (1 of 4 stars). 4 submissions from 4 submitters: Uncertain significance (2); Benign (1). 1 of the submissions does not count toward it. Last evaluated 2026-08-01.

Conditions:
Vascular disorder. Identifiers: MedGen C0042373, MONDO:0005385.
ATP6V1A-related disorder. Also called: ATP6V1A-related condition.

Allele frequency attached by ClinVar (database versions not stated): gnomAD 0.00009; TOPMed 0.00011; gnomAD exomes 0.00015.
gnomAD v4.1: 227 of 1,573,270 alleles (0.014%); highest among the groups gnomAD compares: Non-Finnish European, 0.018%; no homozygotes.

Submissions (4):

CeGaT Center for Human Genetics Tuebingen
Classification: Uncertain significance. Last evaluated: 2026-08-01. Review status: criteria provided, single submitter. Criteria: CeGaT Center For Human Genetics Tuebingen Variant Classification Criteria Version 2. Collection method: clinical testing. Allele origin: germline. Affected: yes. Observed: 1 variant allele.
Comment: ATP6V1A: PM2

Labcorp Genetics (formerly Invitae), Labcorp
Classification: Uncertain significance. Last evaluated: 2025-12-26. Review status: criteria provided, single submitter. Criteria: Invitae Variant Classification Sherloc (09022015). Collection method: clinical testing. Allele origin: germline.
Comment: This sequence change replaces arginine, which is basic and polar, with histidine, which is basic and polar, at codon 552 of the ATP6V1A protein (p.Arg552His). The frequency data for this variant in the population databases is considered unreliable, as metrics indicate poor data quality at this position in the gnomAD database. This variant has not been reported in the literature in individuals affected with ATP6V1A-related conditions. ClinVar contains an entry for this variant (Variation ID: 2061798). Invitae Evidence Modeling of protein sequence and biophysical properties (such as structural, functional, and spatial information, amino acid conservation, physicochemical variation, residue mobility, and thermodynamic stability) indicates that this missense variant is not expected to disrupt ATP6V1A protein function with a negative predictive value of 80%. In summary, the available evidence is currently insufficient to determine the role of this variant in disease. Therefore, it has been classified as a Variant of Uncertain Significance.

Cambridge Genomics Laboratory, East Genomic Laboratory Hub, NHS Genomic Medicine Service
Classification: Benign for Vascular disorder. Last evaluated: 2019-08-08. Review status: criteria provided, single submitter. Criteria: ACGS Best Practice Guidelines for Variant Classification in Rare Disease 2020. Collection method: clinical testing. Allele origin: germline. Affected: yes. Observed: 1 variant allele.

PreventionGenetics, part of Exact Sciences
Classification: Uncertain significance for ATP6V1A-related condition. Last evaluated: 2024-04-03. Review status: no assertion criteria provided. Collection method: clinical testing. Allele origin: germline. Not counted in ClinVar's aggregate classification.
Comment: The ATP6V1A c.1655G>A variant is predicted to result in the amino acid substitution p.Arg552His. To our knowledge, this variant has not been reported in the literature. This variant is reported in 0.012% of alleles in individuals of European (Non-Finnish) descent in gnomAD. At this time, the clinical significance of this variant is uncertain due to the absence of conclusive functional and genetic evidence.